The following is an entry in ClinVar:

ClinVar aggregate classification (germline): Uncertain significance. Review status: criteria provided, multiple submitters, no conflicts (2 of 4 stars). 2 submissions from 2 submitters: Uncertain significance (2). Last evaluated 2025-11-19.

Conditions:
Inborn genetic diseases. Identifiers: MedGen C0950123, MeSH D030342.

Allele frequency attached by ClinVar (database versions not stated): gnomAD exomes below 0.00001; gnomAD 0.00001; TOPMed 0.00004.
gnomAD v4.1: 4 of 1,209,929 alleles (0.00033%); highest among the groups gnomAD compares: African/African-American, 0.007%; no homozygotes.

Submissions (2):

Ambry Genetics
Classification: Uncertain significance for Inborn genetic diseases. Last evaluated: 2025-11-19. Review status: criteria provided, single submitter. Criteria: Ambry Variant Classification Scheme 2023. Collection method: clinical testing. Allele origin: germline.

Labcorp Genetics (formerly Invitae), Labcorp
Classification: Uncertain significance. Last evaluated: 2025-03-31. Review status: criteria provided, single submitter. Criteria: Invitae Variant Classification Sherloc (09022015). Collection method: clinical testing. Allele origin: germline.
Comment: This sequence change replaces isoleucine, which is neutral and non-polar, with leucine, which is neutral and non-polar, at codon 459 of the FRMD7 protein (p.Ile459Leu). This variant is not present in population databases (gnomAD no frequency). This variant has not been reported in the literature in individuals affected with FRMD7-related conditions. ClinVar contains an entry for this variant (Variation ID: 1512603). An algorithm developed to predict the effect of missense changes on protein structure and function (PolyPhen-2) suggests that this variant is likely to be tolerated. In summary, the available evidence is currently insufficient to determine the role of this variant in disease. Therefore, it has been classified as a Variant of Uncertain Significance.

NM_194277.3(FRMD7):c.1375A>C (p.Ile459Leu)

Gene: FRMD7 (FERM domain containing 7; minus strand). Cytogenetic location: Xq26.2.
Variant type: single nucleotide variant.
Coding change: c.1375A>C on transcript NM_194277.3 (MANE Select); coding-DNA position 1375, A replaced by C.
Protein change: p.Ile459Leu; replaces isoleucine 459 with leucine.
Molecular consequence: missense variant.
Genome position (GRCh38, 1-based): chrX:132,078,642, T>G on the plus strand (A>C on the coding strand, the complement: FRMD7 is on the minus strand). VCF-style: chrX-132078642-T-G. GRCh37 (hg19) VCF-style: chrX-131212670-T-G.
Other names: c.1330A>C, p.Ile444Leu (NM_001306193.2); c.1375A>C (NM_194277.2); short protein forms I459L, I444L.
Identifiers: ClinVar variation 1512603 (VCV001512603.9), dbSNP rs1362278613, ClinGen allele CA414679219.